The following is an entry in ClinVar:

NM_000179.3(MSH6):c.1364A>T (p.Asn455Ile)

Gene: MSH6 (mutS homolog 6; plus strand). Cytogenetic location: 2p16.3.
Variant type: single nucleotide variant.
Coding change: c.1364A>T on transcript NM_000179.3 (MANE Select); coding-DNA position 1364, A replaced by T.
Protein change: p.Asn455Ile; replaces asparagine 455 with isoleucine.
Molecular consequence: missense variant. On other transcripts: non-coding transcript variant (4), intron variant (1).
Genome position (GRCh38, 1-based): chr2:47,799,347, A>T. VCF-style: chr2-47799347-A-T. GRCh37 (hg19) VCF-style: chr2-48026486-A-T.
Other names: c.974A>T, p.Asn325Ile (NM_001281492.2); c.458A>T, p.Asn153Ile (NM_001281493.2, NM_001281494.2, NM_001406811.1 and 6 more transcripts); c.1460A>T, p.Asn487Ile (NM_001406795.1, NM_001406802.1); c.1364A>T, p.Asn455Ile (NM_001406796.1, NM_001406798.1, NM_001406800.1 and 4 more transcripts); c.1067A>T, p.Asn356Ile (NM_001406797.1, NM_001406801.1, NM_001406805.1 and 10 more transcripts); c.839A>T, p.Asn280Ile (NM_001406799.1, NM_001406806.1, NM_001406807.1); c.1286A>T, p.Asn429Ile (NM_001406804.1); c.1370A>T, p.Asn457Ile (NM_001406813.1); and 2 more; short protein forms N153I, N280I, N325I, N356I, N399I, N429I, N455I, N457I.
Identifiers: ClinVar variation 4800198 (VCV004800198.1).

ClinVar aggregate classification (germline): Uncertain significance (1 of 4 stars; one submission).

Conditions:
Hereditary nonpolyposis colorectal neoplasms. Identifiers: MedGen C0009405, MeSH D003123.

gnomAD v4.1: 2 of 1,614,028 alleles (0.00012%); highest among the groups gnomAD compares: Non-Finnish European, 0.00017%; no homozygotes.

Submission:

Labcorp Genetics (formerly Invitae), Labcorp
Classification: Uncertain significance for Hereditary nonpolyposis colorectal neoplasms. Last evaluated: 2025-10-15. Review status: criteria provided, single submitter. Criteria: Invitae Variant Classification Sherloc (09022015). Collection method: clinical testing. Allele origin: germline.
Comment: This sequence change replaces asparagine, which is neutral and polar, with isoleucine, which is neutral and non-polar, at codon 455 of the MSH6 protein (p.Asn455Ile). This variant is not present in population databases (gnomAD no frequency). This variant has not been reported in the literature in individuals affected with MSH6-related conditions. Invitae Evidence Modeling of protein sequence and biophysical properties (such as structural, functional, and spatial information, amino acid conservation, physicochemical variation, residue mobility, and thermodynamic stability) indicates that this missense variant is not expected to disrupt MSH6 protein function with a negative predictive value of 95%. In summary, the available evidence is currently insufficient to determine the role of this variant in disease. Therefore, it has been classified as a Variant of Uncertain Significance.